The following is an entry in ClinVar:

ClinVar aggregate classification (germline): Uncertain significance (1 of 4 stars; one submission).

gnomAD v4.1: 1 of 1,613,184 alleles (0.000062%); highest among the groups gnomAD compares: Admixed American, 0.0017%; no homozygotes.

Submission:

GeneDx
Classification: Uncertain significance. Last evaluated: 2024-12-13. Review status: criteria provided, single submitter. Criteria: GeneDx Variant Classification Process June 2021. Collection method: clinical testing. Allele origin: germline. Affected: yes.
Comment: Not observed at significant frequency in large population cohorts (gnomAD); Missense variant in a gene in which most reported pathogenic variants are truncating/loss of function; Has not been previously published as pathogenic or benign to our knowledge

NM_001267550.2(TTN):c.39582G>C (p.Lys13194Asn)

Gene: TTN (titin; minus strand). Cytogenetic location: 2q31.2.
Variant type: single nucleotide variant.
Coding change: c.39582G>C on transcript NM_001267550.2 (MANE Select); coding-DNA position 39582, G replaced by C.
Protein change: p.Lys13194Asn; replaces lysine 13194 with asparagine.
Molecular consequence: missense variant. On other transcripts: intron variant (3).
Genome position (GRCh38, 1-based): chr2:178,651,286, C>G on the plus strand (G>C on the coding strand, the complement: TTN is on the minus strand). VCF-style: chr2-178651286-C-G. GRCh37 (hg19) VCF-style: chr2-179516013-C-G.
Other names: c.35061G>C, p.Lys11687Asn (NM_001256850.1); c.32280G>C, p.Lys10760Asn (NM_133378.4); c.13283-8969G>C (NM_003319.4); c.13859-8969G>C (NM_133437.4); c.13658-8969G>C (NM_133432.3); short protein forms K10760N, K11687N, K13194N.
Identifiers: ClinVar variation 3903249 (VCV003903249.1).
Genomic context (GRCh38, chr2:178,651,286, plus strand): 5'-TCATTAGTGACATGTACCTTTTGCTGGTGGGACTTCTGGCTTTTTGGGAACAGCTACTTT[C>G]TTTTCTGGAACAACTTCTTTTGGAACTTCAGGCACTTCAAATATATTAGTATTTTAACAT-3'
Protein context (NP_001254479.2, residues 13184-13204): PEVPKEVVPE[Lys13194Asn]KVAVPKKPEV